The following is an entry in ClinVar:

NM_138773.4(SLC25A46):c.244_245delinsAT (p.Ser82Ile)

Gene: SLC25A46 (solute carrier family 25 member 46; plus strand). Cytogenetic location: 5q22.1.
Variant type: Indel.
Coding change: c.244_245delinsAT on transcript NM_138773.4 (MANE Select); coding-DNA positions 244 to 245, TC replaced by AT.
Protein change: p.Ser82Ile; replaces serine 82 with isoleucine.
Molecular consequence: missense variant. On other transcripts: non-coding transcript variant (1), intron variant (1).
Genome position (GRCh38, 1-based): chr5:110,739,363-110,739,364, TC replaced by AT. VCF-style: chr5-110739363-TC-AT. GRCh37 (hg19) VCF-style: chr5-110075064-TC-AT.
Other names: c.244_245delinsAT, p.Ser82Ile (NM_001303249.3); c.10+1116_10+1117delinsAT (NM_001303250.3); short protein forms S82I.
Identifiers: ClinVar variation 1791321 (VCV001791321.2), dbSNP rs2547515987, ClinGen allele CA2580072217.

ClinVar aggregate classification (germline): Uncertain significance (1 of 4 stars; one submission).

Conditions:
Inborn genetic diseases. Identifiers: MedGen C0950123, MeSH D030342.

Submission:

Ambry Genetics
Classification: Uncertain significance for Inborn genetic diseases. Last evaluated: 2019-12-19. Review status: criteria provided, single submitter. Criteria: Ambry Variant Classification Scheme 2023. Collection method: clinical testing. Allele origin: germline.
Comment: The c.244_245delTCinsAT variant (also known as p.S82I), located in coding exon 1 of the SLC25A46 gene, results from an in-frame deletion of TC and insertion of AT at nucleotide positions 244 to 245. This results in the substitution of the serine residue for an isoleucine residue at codon 82, an amino acid with dissimilar properties. This amino acid position is poorly conserved in available vertebrate species. In addition, this alteration is predicted to be neutral by in silico analysis (Choi Y et al. PLoS ONE. 2012; 7(10):e46688). Since supporting evidence is limited at this time, the clinical significance of this alteration remains unclear.